The following is an entry in ClinVar:

ClinVar aggregate classification (germline): Uncertain significance (1 of 4 stars; one submission).

Conditions:
Alstrom syndrome (ALMS). Identifiers: Orphanet 64, MedGen C0268425, MONDO:0008763, OMIM 203800.

Submission:

Labcorp Genetics (formerly Invitae), Labcorp
Classification: Uncertain significance for Alstrom syndrome. Last evaluated: 2022-10-08. Review status: criteria provided, single submitter. Criteria: Invitae Variant Classification Sherloc (09022015). Collection method: clinical testing. Allele origin: germline.
Comment: This sequence change replaces leucine, which is neutral and non-polar, with tryptophan, which is neutral and slightly polar, at codon 521 of the ALMS1 protein (p.Leu521Trp). This variant is not present in population databases (gnomAD no frequency). This variant has not been reported in the literature in individuals affected with ALMS1-related conditions. Experimental studies and prediction algorithms are not available or were not evaluated, and the functional significance of this variant is currently unknown. In summary, the available evidence is currently insufficient to determine the role of this variant in disease. Therefore, it has been classified as a Variant of Uncertain Significance.

NM_001378454.1(ALMS1):c.1559T>G (p.Leu520Trp)

Gene: ALMS1 (ALMS1 centrosome and basal body associated protein; plus strand). Cytogenetic location: 2p13.1.
Variant type: single nucleotide variant.
Coding change: c.1559T>G on transcript NM_001378454.1 (MANE Select); coding-DNA position 1559, T replaced by G.
Protein change: p.Leu520Trp; replaces leucine 520 with tryptophan.
Molecular consequence: missense variant.
Genome position (GRCh38, 1-based): chr2:73,448,086, T>G. VCF-style: chr2-73448086-T-G. GRCh37 (hg19) VCF-style: chr2-73675216-T-G.
Other names: c.1562T>G, p.Leu521Trp (NM_015120.4); short protein forms L520W, L521W.
Identifiers: ClinVar variation 2152946 (VCV002152946.1), dbSNP rs1276481520, ClinGen allele CA347264767.